The following is an entry in ClinVar:

NM_133459.4(CCBE1):c.1141A>G (p.Met381Val)

Gene: CCBE1 (collagen and calcium binding EGF domains 1; minus strand). Cytogenetic location: 18q21.32.
Variant type: single nucleotide variant.
Coding change: c.1141A>G on transcript NM_133459.4 (MANE Select); coding-DNA position 1141, A replaced by G.
Protein change: p.Met381Val; replaces methionine 381 with valine.
Molecular consequence: missense variant.
Genome position (GRCh38, 1-based): chr18:59,435,988, T>C on the plus strand (A>G on the coding strand, the complement: CCBE1 is on the minus strand). VCF-style: chr18-59435988-T-C. GRCh37 (hg19) VCF-style: chr18-57103220-T-C.
Other names: short protein forms M381V.
Identifiers: ClinVar variation 1376054 (VCV001376054.8), dbSNP rs2143604802, ClinGen allele CA402593979.

ClinVar aggregate classification (germline): Uncertain significance (1 of 4 stars; one submission).

Submission:

Labcorp Genetics (formerly Invitae), Labcorp
Classification: Uncertain significance. Last evaluated: 2022-06-20. Review status: criteria provided, single submitter. Criteria: Invitae Variant Classification Sherloc (09022015). Collection method: clinical testing. Allele origin: germline.
Comment: Algorithms developed to predict the effect of missense changes on protein structure and function output the following: SIFT: "Tolerated"; PolyPhen-2: "Benign"; Align-GVGD: "Class C0". The valine amino acid residue is found in multiple mammalian species, which suggests that this missense change does not adversely affect protein function. In summary, the available evidence is currently insufficient to determine the role of this variant in disease. Therefore, it has been classified as a Variant of Uncertain Significance. This variant has not been reported in the literature in individuals affected with CCBE1-related conditions. This variant is not present in population databases (gnomAD no frequency). This sequence change replaces methionine, which is neutral and non-polar, with valine, which is neutral and non-polar, at codon 381 of the CCBE1 protein (p.Met381Val).